The following is an entry in ClinVar:

ClinVar aggregate classification (germline): Pathogenic/Likely pathogenic. Review status: criteria provided, multiple submitters, no conflicts (2 of 4 stars). 3 submissions from 3 submitters: Pathogenic (1); Likely pathogenic (2). Last evaluated 2025-12-11.

Conditions:
Polycystic kidney disease, adult type (PKD1). Also called: Polycystic Kidney Disease 1, Autosomal Dominant; Polycystic kidney disease 1; Polycystic kidney disease 1, severe; Polycystic Kidney, Autosomal Dominant; POLYCYSTIC KIDNEY DISEASE 1 WITH OR WITHOUT POLYCYSTIC LIVER DISEASE; POLYCYSTIC KIDNEY DISEASE, ADULT, TYPE I. Identifiers: MedGen C3149841, MONDO:0008263, OMIM 173900.
Autosomal dominant polycystic kidney disease. Identifiers: Orphanet 730, MedGen C0085413, MONDO:0004691.

Submissions (3):

Medical and Scientific Branch, Hong Kong Genome Institute
Classification: Likely pathogenic for Polycystic kidney disease, adult type. Last evaluated: 2025-12-11. Review status: criteria provided, single submitter. Criteria: ACMG Guidelines, 2015. Collection method: clinical testing. Allele origin: germline. Affected: yes.

Molecular Genetics of Inherited Kidney Disorders Laboratory, Garvan Institute of Medical Research
Classification: Likely pathogenic for Autosomal dominant polycystic kidney disease. Last evaluated: 2022-11-20. Review status: criteria provided, single submitter. Criteria: ACMG Guidelines, 2015. Collection method: research. Allele origin: de novo. Affected: yes.

Victorian Clinical Genetics Services, Murdoch Childrens Research Institute
Classification: Pathogenic for Polycystic kidney disease, adult type. Last evaluated: 2020-10-19. Review status: criteria provided, single submitter. Criteria: ACMG Guidelines, 2015. Collection method: clinical testing. Allele origin: germline. Inheritance: Autosomal dominant inheritance.
Comment: Based on the classification scheme VCGS_Germline_v1.3.3, this variant is classified as pathogenic. Following criteria are met: 0102 - Loss of function is a known mechanism of disease in this gene and is associated with polycystic kidney disease 1 (MIM#173900). (I) 0107 - This gene is associated with autosomal dominant disease. It is predominantly caused by monoallelic variants, with rare reports of biallelic variants causing disease. (I) 0201 - Variant is predicted to cause nonsense-mediated decay (NMD) and loss of protein (premature termination codon is located at least 54 nucleotides upstream of the final exon-exon junction). (SP) 0251 - This variant is heterozygous. (I) 0301 - Variant is absent from gnomAD (both v2 and v3). (SP) 0701 - Other NMD-predicted variants comparable to the one identified in this case have very strong previous evidence for pathogenicity. These variants have been reported in many patients with polycystic kidney disease (Decipher, PMID: 26139440). (SP) 0807 - This variant has no previous evidence of pathogenicity. (I) 0905 - No published segregation evidence has been identified for this variant. (I) 1007 - No published functional evidence has been identified for this variant. (I) 1208 - Inheritance information for this variant is not currently available in this individual. (I) Legend: (SP) - Supporting pathogenic, (I) - Information, (SB) - Supporting benign

Literature cited by the submitters: PubMed 26139440 (cited by Victorian Clinical Genetics Services, Murdoch Childrens Research Institute).

NM_001009944.3(PKD1):c.10118C>A (p.Ser3373Ter)

Gene: PKD1 (polycystin 1, transient receptor potential channel interacting; minus strand). Cytogenetic location: 16p13.3.
Variant type: single nucleotide variant.
Coding change: c.10118C>A on transcript NM_001009944.3 (MANE Select); coding-DNA position 10118, C replaced by A.
Protein change: p.Ser3373Ter; replaces serine 3373 with a stop codon.
Molecular consequence: nonsense.
Genome position (GRCh38, 1-based): chr16:2,097,917, G>T on the plus strand (C>A on the coding strand, the complement: PKD1 is on the minus strand). VCF-style: chr16-2097917-G-T. GRCh37 (hg19) VCF-style: chr16-2147918-G-T.
Other names: c.10118C>A, p.Ser3373Ter (NM_000296.4); short protein forms S3373*.
Identifiers: ClinVar variation 1800461 (VCV001800461.24), dbSNP rs373222937, ClinGen allele CA394348407.
Genomic context (GRCh38, chr16:2,097,917, plus strand): 5'-AGAGTCCTCACCTCAGCGTGGAGGCCTGAGAACGTGAGGAAGGAGCTGTCCAGCACGGAC[G>T]AGTCCAGGCAGCTGTCGATGTCCAGCACCTGCTGCCCGGCAGGTGTGGGGCTCGGGCTCC-3'